The following is an entry in ClinVar:

NM_002067.5(GNA11):c.629G>A (p.Arg210Gln)

Gene: GNA11 (G protein subunit alpha 11; plus strand). Cytogenetic location: 19p13.3.
Variant type: single nucleotide variant.
Coding change: c.629G>A on transcript NM_002067.5 (MANE Select); coding-DNA position 629, G replaced by A.
Protein change: p.Arg210Gln; replaces arginine 210 with glutamine.
Molecular consequence: missense variant.
Genome position (GRCh38, 1-based): chr19:3,118,947, G>A. VCF-style: chr19-3118947-G-A. GRCh37 (hg19) VCF-style: chr19-3118945-G-A.
Other names: short protein forms R210Q.
Identifiers: ClinVar variation 1989561 (VCV001989561.4), dbSNP rs2145325989, ClinGen allele CA403310591.

ClinVar aggregate classification (germline): Uncertain significance (1 of 4 stars; one submission).

Submission:

Labcorp Genetics (formerly Invitae), Labcorp
Classification: Uncertain significance. Last evaluated: 2022-04-16. Review status: criteria provided, single submitter. Criteria: Invitae Variant Classification Sherloc (09022015). Collection method: clinical testing. Allele origin: germline.
Comment: This sequence change replaces arginine, which is basic and polar, with glutamine, which is neutral and polar, at codon 210 of the GNA11 protein (p.Arg210Gln). In summary, the available evidence is currently insufficient to determine the role of this variant in disease. Therefore, it has been classified as a Variant of Uncertain Significance. Algorithms developed to predict the effect of missense changes on protein structure and function are either unavailable or do not agree on the potential impact of this missense change (SIFT: "Deleterious"; PolyPhen-2: "Probably Damaging"; Align-GVGD: "Class C0"). This variant has not been reported in the literature in individuals affected with GNA11-related conditions. This variant is not present in population databases (gnomAD no frequency).